The following is an entry in ClinVar:

ClinVar aggregate classification (germline): Likely benign (0 of 4 stars; one submission).

Conditions:
SARDH-related disorder. Also called: SARDH-related condition.

Allele frequency attached by ClinVar (database versions not stated): 1000 Genomes Project 30x 0.00016; 1000 Genomes Project 0.00020.
gnomAD v4.1: 32 of 1,614,106 alleles (0.002%); highest among the groups gnomAD compares: Admixed American, 0.032%; no homozygotes.

Submission:

PreventionGenetics, part of Exact Sciences
Classification: Likely benign for SARDH-related condition. Last evaluated: 2019-05-29. Review status: no assertion criteria provided. Collection method: clinical testing. Allele origin: germline.
Comment: This variant is classified as likely benign based on ACMG/AMP sequence variant interpretation guidelines (Richards et al. 2015 PMID: 25741868, with internal and published modifications).

NM_001134707.2(SARDH):c.1137G>A (p.Thr379=)

Gene: SARDH (sarcosine dehydrogenase; minus strand). Cytogenetic location: 9q34.2.
Variant type: single nucleotide variant.
Coding change: c.1137G>A on transcript NM_001134707.2 (MANE Select); coding-DNA position 1137, G replaced by A.
Protein change: p.Thr379=; no amino-acid change (threonine 379 retained).
Molecular consequence: synonymous variant.
Genome position (GRCh38, 1-based): chr9:133,717,339, C>T on the plus strand (G>A on the coding strand, the complement: SARDH is on the minus strand). VCF-style: chr9-133717339-C-T. GRCh37 (hg19) VCF-style: chr9-136582461-C-T.
Other names: c.1137G>A, p.Thr379= (NM_007101.4).
Identifiers: ClinVar variation 3044431 (VCV003044431.2), dbSNP rs541629904, ClinGen allele CA5314467.
Genomic context (GRCh38, chr9:133,717,339, plus strand): 5'-CCAAAGGACCCATGGACGCCCACCCCAGCTCCGAGGCTGTCACTCACCAGGGCCGCAGAC[C>T]GTGGACTTGATTCCTGTCTTCTCCAGCACGGGGACCCTGTTGATGGCGCCTTCAATGTGC-3'
Protein context (NP_001128179.1, residues 369-389): PVLEKTGIKS[Thr379=]VCGPESFTPD